The following is an entry in ClinVar:

ClinVar aggregate classification (germline): Uncertain significance (1 of 4 stars; one submission).

Conditions:
Cardiovascular phenotype. Identifiers: MedGen CN230736.

Submission:

Ambry Genetics
Classification: Uncertain significance for Cardiovascular phenotype. Last evaluated: 2022-08-30. Review status: criteria provided, single submitter. Criteria: Ambry Variant Classification Scheme 2023. Collection method: clinical testing. Allele origin: germline.
Comment: The p.F689L variant (also known as c.2065T>C), located in coding exon 16 of the JAG1 gene, results from a T to C substitution at nucleotide position 2065. The phenylalanine at codon 689 is replaced by leucine, an amino acid with highly similar properties. This amino acid position is conserved. In addition, this alteration is predicted to be deleterious by in silico analysis. Since supporting evidence is limited at this time, the clinical significance of this alteration remains unclear.

NM_000214.3(JAG1):c.2065T>C (p.Phe689Leu)

Gene: JAG1 (jagged canonical Notch ligand 1; minus strand). Cytogenetic location: 20p12.2.
Variant type: single nucleotide variant.
Coding change: c.2065T>C on transcript NM_000214.3 (MANE Select); coding-DNA position 2065, T replaced by C.
Protein change: p.Phe689Leu; replaces phenylalanine 689 with leucine.
Molecular consequence: missense variant.
Genome position (GRCh38, 1-based): chr20:10,645,404, A>G on the plus strand (T>C on the coding strand, the complement: JAG1 is on the minus strand). VCF-style: chr20-10645404-A-G. GRCh37 (hg19) VCF-style: chr20-10626052-A-G.
Other names: short protein forms F689L.
Identifiers: ClinVar variation 1785288 (VCV001785288.2), dbSNP rs2514513635, ClinGen allele CA408235481.